The following is an entry in ClinVar:

ClinVar aggregate classification (germline): Uncertain significance (1 of 4 stars; one submission).

Conditions:
Ullrich congenital muscular dystrophy 2 (UCMD2). Identifiers: Orphanet 75840, MedGen C4225314, MONDO:0014654, OMIM 616470.
Bethlem myopathy 2 (BTHLM2). Identifiers: Orphanet 536516, Orphanet 610, MedGen C4225313, MONDO:0034022, OMIM 616471.

gnomAD v4.1: 2 of 1,613,684 alleles (0.00012%); highest among the groups gnomAD compares: Non-Finnish European, 0.00017%; no homozygotes.

Submission:

Labcorp Genetics (formerly Invitae), Labcorp
Classification: Uncertain significance for Bethlem myopathy 2; Ullrich congenital muscular dystrophy 2. Last evaluated: 2025-12-01. Review status: criteria provided, single submitter. Criteria: Invitae Variant Classification Sherloc (09022015). Collection method: clinical testing. Allele origin: germline.
Comment: This sequence change falls in intron 19 of the COL12A1 gene. It does not directly change the encoded amino acid sequence of the COL12A1 protein. This variant is not present in population databases (gnomAD no frequency). This variant has not been reported in the literature in individuals affected with COL12A1-related conditions. Algorithms developed to predict the effect of sequence changes on RNA splicing suggest that this variant may create or strengthen a splice site. In summary, the available evidence is currently insufficient to determine the role of this variant in disease. Therefore, it has been classified as a Variant of Uncertain Significance.

NM_004370.6(COL12A1):c.3836-7C>T

Gene: COL12A1 (collagen type XII alpha 1 chain; minus strand). Cytogenetic location: 6q13.
Variant type: single nucleotide variant.
Coding change: c.3836-7C>T on transcript NM_004370.6 (MANE Select); 7 bases into the intron before coding-DNA position 3836, C replaced by T.
Molecular consequence: intron variant.
Genome position (GRCh38, 1-based): chr6:75,152,038, G>A on the plus strand (C>T on the coding strand, the complement: COL12A1 is on the minus strand). VCF-style: chr6-75152038-G-A. GRCh37 (hg19) VCF-style: chr6-75861754-G-A.
Other names: c.344-7C>T (NM_001424116.1, NM_080645.3); c.3563-7C>T (NM_001424115.1); c.3836-7C>T (NM_001424114.1, NM_001424113.1).
Identifiers: ClinVar variation 4794043 (VCV004794043.1).